The following is an entry in ClinVar:

ClinVar aggregate classification (germline): Uncertain significance (1 of 4 stars; one submission).

Conditions:
Bethlem myopathy 1A. Also called: MYOPATHY, BENIGN CONGENITAL, WITH CONTRACTURES; Bethlem myopathy 1; Bethlem Muscular Dystrophy. Identifiers: Orphanet 610, MedGen CN029274, MONDO:0024530, OMIM 158810.

Submission:

Labcorp Genetics (formerly Invitae), Labcorp
Classification: Uncertain significance for Bethlem myopathy 1A. Last evaluated: 2022-11-22. Review status: criteria provided, single submitter. Criteria: Invitae Variant Classification Sherloc (09022015). Collection method: clinical testing. Allele origin: germline.
Comment: This sequence change replaces serine, which is neutral and polar, with glycine, which is neutral and non-polar, at codon 803 of the COL6A3 protein (p.Ser803Gly). This variant is not present in population databases (gnomAD no frequency). This variant has not been reported in the literature in individuals affected with COL6A3-related conditions. Advanced modeling of protein sequence and biophysical properties (such as structural, functional, and spatial information, amino acid conservation, physicochemical variation, residue mobility, and thermodynamic stability) performed at Invitae indicates that this missense variant is not expected to disrupt COL6A3 protein function. In summary, the available evidence is currently insufficient to determine the role of this variant in disease. Therefore, it has been classified as a Variant of Uncertain Significance.

NM_004369.4(COL6A3):c.2407A>G (p.Ser803Gly)

Gene: COL6A3 (collagen type VI alpha 3 chain; minus strand). Cytogenetic location: 2q37.3.
Variant type: single nucleotide variant.
Coding change: c.2407A>G on transcript NM_004369.4 (MANE Select); coding-DNA position 2407, A replaced by G.
Protein change: p.Ser803Gly; replaces serine 803 with glycine.
Molecular consequence: missense variant. On other transcripts: intron variant (1).
Genome position (GRCh38, 1-based): chr2:237,378,726, T>C on the plus strand (A>G on the coding strand, the complement: COL6A3 is on the minus strand). VCF-style: chr2-237378726-T-C. GRCh37 (hg19) VCF-style: chr2-238287369-T-C.
Other names: c.1186A>G, p.Ser396Gly (NM_057164.5); c.1789A>G, p.Ser597Gly (NM_057165.5, NM_057167.4); c.677-1382A>G (NM_057166.5); short protein forms S396G, S597G, S803G.
Identifiers: ClinVar variation 1971855 (VCV001971855.5), dbSNP rs2469919408, ClinGen allele CA351212724.